The following is an entry in ClinVar:

NM_000254.3(MTR):c.2474-5_2474-4dup

Gene: MTR (5-methyltetrahydrofolate-homocysteine methyltransferase; plus strand). Cytogenetic location: 1q43.
Variant type: Duplication.
Coding change: c.2474-5_2474-4dup on transcript NM_000254.3 (MANE Select); 5 bases into the intron before coding-DNA position 2474 through 4 bases into the intron before coding-DNA position 2474, 2 bases duplicated (AA; older notation c.2474-5_2474-4dupAA).
Molecular consequence: intron variant.
Genome position (GRCh38, 1-based): chr1:236,874,721-236,874,722, AA duplicated; duplicating any 2 consecutive bases within chr1:236,874,709-236,874,722 gives the same sequence; the c. name uses the placement nearest the transcript's 3' end. VCF-style (leftmost placement, unchanged base first): chr1-236874708-T-TAA. GRCh37 (hg19) VCF-style: chr1-237038008-T-TAA.
Other names: p.?; c.2474-5_2474-4dup (NM_000254.2); c.2321-5_2321-4dup (NM_001291939.1); c.1253-5_1253-4dup (NM_001291940.2).
Identifiers: ClinVar variation 1284513 (VCV001284513.9), dbSNP rs546254033, ClinGen allele CA1474421.

ClinVar aggregate classification (germline): Benign/Likely benign. Review status: criteria provided, multiple submitters, no conflicts (2 of 4 stars). 6 submissions from 6 submitters: Benign (2); Likely benign (2). 2 of the submissions do not count toward it. Last evaluated 2024-11-26.

Conditions:
Methylcobalamin deficiency type cblG (HMAG). Also called: HOMOCYSTINURIA-MEGALOBLASTIC ANEMIA, cblG COMPLEMENTATION TYPE; Functional methionine synthase deficiency type cblG; HOMOCYSTINURIA-MEGALOBLASTIC ANEMIA DUE TO DEFECT IN COBALAMIN METABOLISM, cblG COMPLEMENTATION TYPE; HOMOCYSTINURIA-MEGALOBLASTIC ANEMIA, cblG TYPE. Identifiers: Orphanet 2170, Orphanet 622, MedGen C1855128, MONDO:0009609, OMIM 250940.

Submissions (6):

Blueprint Genetics
Classification: Likely benign. Last evaluated: 2024-11-26. Review status: criteria provided, single submitter. Criteria: ACMG Guidelines, 2015. Collection method: clinical testing. Allele origin: germline.

Mayo Clinic Laboratories, Mayo Clinic
Classification: Benign. Last evaluated: 2024-04-10. Review status: criteria provided, single submitter. Criteria: ACMG Guidelines, 2015. Collection method: clinical testing. Allele origin: germline. Observed: 4 variant alleles.
Comment: BA1, BP4, BP7

Labcorp Genetics (formerly Invitae), Labcorp
Classification: Benign for Methylcobalamin deficiency type cblG. Last evaluated: 2023-08-01. Review status: criteria provided, single submitter. Criteria: Invitae Variant Classification Sherloc (09022015). Collection method: clinical testing. Allele origin: germline.

GeneDx
Classification: Likely benign. Last evaluated: 2021-05-25. Review status: criteria provided, single submitter. Criteria: GeneDx Variant Classification Process June 2021. Collection method: clinical testing. Allele origin: germline. Affected: yes.

Clinical Genetics, Academic Medical Center
Classification: Benign. Review status: no assertion criteria provided. Collection method: clinical testing. Allele origin: germline. Affected: yes. Study: VKGL Data-share Consensus. Not counted in ClinVar's aggregate classification.

Genome Diagnostics Laboratory, University Medical Center Utrecht
Classification: Benign. Review status: no assertion criteria provided. Collection method: clinical testing. Allele origin: germline. Affected: yes. Study: VKGL Data-share Consensus. Not counted in ClinVar's aggregate classification.